The following is an entry in ClinVar:

NM_000431.4(MVK):c.404C>T (p.Ser135Leu)

Gene: MVK (mevalonate kinase; plus strand). Cytogenetic location: 12q24.11.
Variant type: single nucleotide variant.
Coding change: c.404C>T on transcript NM_000431.4 (MANE Select); coding-DNA position 404, C replaced by T.
Protein change: p.Ser135Leu; replaces serine 135 with leucine.
Molecular consequence: missense variant. On other transcripts: intron variant (1).
Genome position (GRCh38, 1-based): chr12:109,581,427, C>T. VCF-style: chr12-109581427-C-T. GRCh37 (hg19) VCF-style: chr12-110019232-C-T.
Other names: c.404C>T, p.Ser135Leu (NM_001114185.3); c.371+1481C>T (NM_001301182.2); short protein forms S135L.
Identifiers: ClinVar variation 97587 (VCV000097587.36), dbSNP rs104895297, ClinGen allele CA149827.

ClinVar aggregate classification (germline): Pathogenic. Review status: criteria provided, single submitter (1 of 4 stars). 2 submissions from 2 submitters: Pathogenic (1). 1 of the submissions does not count toward it. Last evaluated 2021-04-01.

Conditions:
Hyperimmunoglobulin D with periodic fever (HIDS). Also called: Hyperimmunoglobulinemia D with periodic fever; HYPERIMMUNOGLOBULINEMIA D AND PERIODIC FEVER SYNDROME; Hyperimmunoglobulinemia D. Identifiers: Orphanet 343, MedGen C0398691, MONDO:0009849, OMIM 260920.

Allele frequency attached by ClinVar (database versions not stated): TOPMed 0.00001.

Submissions (2):

CeGaT Center for Human Genetics Tuebingen
Classification: Pathogenic. Last evaluated: 2021-04-01. Review status: criteria provided, single submitter. Criteria: CeGaT Center For Human Genetics Tuebingen Variant Classification Criteria Version 2. Collection method: clinical testing. Allele origin: germline. Affected: yes. Observed: 1 variant allele.

Unité médicale des maladies autoinflammatoires, CHRU Montpellier
No classification provided. Condition: Hyperimmunoglobulin D with periodic fever. Review status: no classification provided. Collection method: not provided. Allele origin: unknown. Not counted in ClinVar's aggregate classification.
Comment: also involved in OMIM 25117